The following is an entry in ClinVar:

ClinVar aggregate classification (germline): Uncertain significance (1 of 4 stars; one submission).

Conditions:
T-B+ severe combined immunodeficiency due to JAK3 deficiency. Also called: SCID, T CELL-NEGATIVE, B CELL-POSITIVE, NK CELL-NEGATIVE; SCID, autosomal recessive, T-negative/B-positive type. Identifiers: Orphanet 35078, MedGen C1833275, MONDO:0010938, OMIM 600802.

Allele frequency attached by ClinVar (database versions not stated): gnomAD exomes below 0.00001.

Submission:

Labcorp Genetics (formerly Invitae), Labcorp
Classification: Uncertain significance for T-B+ severe combined immunodeficiency due to JAK3 deficiency. Last evaluated: 2022-09-19. Review status: criteria provided, single submitter. Criteria: Invitae Variant Classification Sherloc (09022015). Collection method: clinical testing. Allele origin: germline.
Comment: This sequence change replaces alanine, which is neutral and non-polar, with valine, which is neutral and non-polar, at codon 250 of the JAK3 protein (p.Ala250Val). This variant is not present in population databases (gnomAD no frequency). This variant has not been reported in the literature in individuals affected with JAK3-related conditions. ClinVar contains an entry for this variant (Variation ID: 1353952). Advanced modeling of protein sequence and biophysical properties (such as structural, functional, and spatial information, amino acid conservation, physicochemical variation, residue mobility, and thermodynamic stability) performed at Invitae indicates that this missense variant is not expected to disrupt JAK3 protein function. In summary, the available evidence is currently insufficient to determine the role of this variant in disease. Therefore, it has been classified as a Variant of Uncertain Significance.

NM_000215.4(JAK3):c.749C>T (p.Ala250Val)

Gene: JAK3 (Janus kinase 3; minus strand). Cytogenetic location: 19p13.11.
Variant type: single nucleotide variant.
Coding change: c.749C>T on transcript NM_000215.4 (MANE Select); coding-DNA position 749, C replaced by T.
Protein change: p.Ala250Val; replaces alanine 250 with valine.
Molecular consequence: missense variant.
Genome position (GRCh38, 1-based): chr19:17,842,428, G>A on the plus strand (C>T on the coding strand, the complement: JAK3 is on the minus strand). VCF-style: chr19-17842428-G-A. GRCh37 (hg19) VCF-style: chr19-17953237-G-A.
Other names: short protein forms A250V.
Identifiers: ClinVar variation 1353952 (VCV001353952.3), dbSNP rs1286914027, ClinGen allele CA404772562.